The following is an entry in ClinVar:

NM_024422.6(DSC2):c.882dup (p.Phe295fs)

Gene: DSC2 (desmocollin 2; minus strand). Cytogenetic location: 18q12.1.
Variant type: Duplication.
Coding change: c.882dup on transcript NM_024422.6 (MANE Select); coding-DNA position 882, one base duplicated (A; older notation c.882dupA).
Protein change: p.Phe295fs; shifts the reading frame from phenylalanine 295.
Molecular consequence: frameshift variant.
Genome position (GRCh38, 1-based): chr18:31,086,636, T duplicated on the plus strand (A on the coding strand, the reverse complement: DSC2 is on the minus strand). VCF-style (leftmost placement, unchanged base first): chr18-31086635-A-AT. GRCh37 (hg19) VCF-style: chr18-28666598-A-AT.
Other names: c.882dup, p.Phe295fs (NM_004949.5); c.882dup (NM_024422.3); short protein forms F295fs.
Identifiers: ClinVar variation 410650 (VCV000410650.8), dbSNP rs1060502989, ClinGen allele CA16616022.

ClinVar aggregate classification (germline): Pathogenic. Review status: criteria provided, multiple submitters, no conflicts (2 of 4 stars). 2 submissions from 2 submitters: Pathogenic (2). Last evaluated 2026-03-27.

Conditions:
Arrhythmogenic right ventricular dysplasia 11. Also called: Arrhythmogenic Right Ventricular Dysplasia/Cardiomyopathy11; ARRHYTHMOGENIC RIGHT VENTRICULAR DYSPLASIA, FAMILIAL, 11; Arrhythmogenic right ventricular dysplasia 11 with mild palmoplantar keratoderma and woolly hair. Identifiers: MedGen C1864850, MONDO:0012506, OMIM 610476.

Allele frequency attached by ClinVar (database versions not stated): gnomAD exomes below 0.00001.

Submissions (2):

GeneDx
Classification: Pathogenic. Last evaluated: 2026-03-27. Review status: criteria provided, single submitter. Criteria: GeneDx Variant Classification Process June 2021. Collection method: clinical testing. Allele origin: germline.
Comment: Frameshift variant predicted to result in protein truncation or nonsense mediated decay in a gene for which loss of function is a known mechanism of disease; Not observed at significant frequency in large population cohorts (gnomAD); This variant is associated with the following publications: (PMID: 31386562)

Labcorp Genetics (formerly Invitae), Labcorp
Classification: Pathogenic for Arrhythmogenic right ventricular dysplasia 11. Last evaluated: 2017-04-26. Review status: criteria provided, single submitter. Criteria: Invitae Variant Classification Sherloc (09022015). Collection method: clinical testing. Allele origin: germline.
Comment: This sequence change inserts 1 nucleotide in exon 7 of the DSC2 mRNA (c.882dupA), causing a frameshift at codon 295. This creates a premature translational stop signal (p.Phe295Ilefs*23) and is expected to result in an absent or disrupted protein product. While this particular variant has not been reported in the literature, loss-of-function variants in DSC2 are known to be pathogenic (PMID: 23911551). For these reasons, this variant has been classified as Pathogenic.

Literature cited by the submitters: PubMed 23911551 (cited by Labcorp Genetics (formerly Invitae), Labcorp).